The following is an entry in ClinVar:

ClinVar aggregate classification (germline): Likely pathogenic (1 of 4 stars; one submission).

Conditions:
DNAH17-related disorder. Also called: DNAH17-related condition.

Allele frequency attached by ClinVar (database versions not stated): TOPMed below 0.00001; gnomAD 0.00001.

Submission:

PreventionGenetics, part of Exact Sciences
Classification: Likely pathogenic for DNAH17-related condition. Last evaluated: 2023-07-04. Review status: criteria provided, single submitter. Criteria: ACMG Guidelines, 2015. Collection method: clinical testing. Allele origin: germline.
Comment: The DNAH17 c.11753delC variant is predicted to result in a frameshift and premature protein termination (p.Ala3918Valfs*247). To our knowledge, this variant has not been reported in the literature or in a large population database, indicating this variant is rare. Frameshift variants in DNAH17 are expected to be pathogenic. This variant is interpreted as likely pathogenic.

NM_173628.4(DNAH17):c.11753del (p.Ala3918fs)

Gene: DNAH17 (dynein axonemal heavy chain 17; minus strand). Cytogenetic location: 17q25.3.
Variant type: Deletion.
Coding change: c.11753del on transcript NM_173628.4 (MANE Select); coding-DNA position 11753, one base deleted (C; older notation c.11753delC).
Protein change: p.Ala3918fs; shifts the reading frame from alanine 3918.
Molecular consequence: frameshift variant.
Genome position (GRCh38, 1-based): chr17:78,439,142, G deleted on the plus strand (C on the coding strand, the reverse complement: DNAH17 is on the minus strand). VCF-style (leftmost placement, unchanged base first): chr17-78439141-AG-A. GRCh37 (hg19) VCF-style: chr17-76435223-AG-A.
Other names: short protein forms A3918fs.
Identifiers: ClinVar variation 2630219 (VCV002630219.1), dbSNP rs2086970259, ClinGen allele CA986577389.